The following is an entry in ClinVar:

ClinVar aggregate classification (germline): Uncertain significance. Review status: criteria provided, multiple submitters, no conflicts (2 of 4 stars). 3 submissions from 3 submitters: Uncertain significance (3). Last evaluated 2025-03-12.

Conditions:
Inborn genetic diseases. Identifiers: MedGen C0950123, MeSH D030342.

Allele frequency attached by ClinVar (database versions not stated): gnomAD exomes 0.00001 and 0.00002; TOPMed 0.00002; gnomAD 0.00003; ESP Exome Variant Server 0.00008.
gnomAD v4.1: 16 of 1,608,274 alleles (0.00099%); highest among the groups gnomAD compares: Admixed American, 0.01%; no homozygotes.

Submissions (3):

GeneDx
Classification: Uncertain significance. Last evaluated: 2025-03-12. Review status: criteria provided, single submitter. Criteria: GeneDx Variant Classification Process June 2021. Collection method: clinical testing. Allele origin: germline. Affected: yes.
Comment: Reported in the published literature in a patient with bilateral hearing loss (PMID: 34515852); In silico analysis supports that this missense variant has a deleterious effect on protein structure/function; This variant is associated with the following publications: (PMID: 26068095, 34515852)

Ambry Genetics
Classification: Uncertain significance for Inborn genetic diseases. Last evaluated: 2024-08-05. Review status: criteria provided, single submitter. Criteria: Ambry Variant Classification Scheme 2023. Collection method: clinical testing. Allele origin: germline.

Labcorp Genetics (formerly Invitae), Labcorp
Classification: Uncertain significance. Last evaluated: 2023-12-18. Review status: criteria provided, single submitter. Criteria: Invitae Variant Classification Sherloc (09022015). Collection method: clinical testing. Allele origin: germline.
Comment: This sequence change replaces aspartic acid, which is acidic and polar, with asparagine, which is neutral and polar, at codon 792 of the FGFR3 protein (p.Asp792Asn). This variant is present in population databases (rs376043260, gnomAD 0.009%). This variant has not been reported in the literature in individuals affected with FGFR3-related conditions. ClinVar contains an entry for this variant (Variation ID: 1306900). Advanced modeling of protein sequence and biophysical properties (such as structural, functional, and spatial information, amino acid conservation, physicochemical variation, residue mobility, and thermodynamic stability) has been performed at Invitae for this missense variant, however the output from this modeling did not meet the statistical confidence thresholds required to predict the impact of this variant on FGFR3 protein function. In summary, the available evidence is currently insufficient to determine the role of this variant in disease. Therefore, it has been classified as a Variant of Uncertain Significance.

NM_000142.5(FGFR3):c.2374G>A (p.Asp792Asn)

Gene: FGFR3 (fibroblast growth factor receptor 3; plus strand). Cytogenetic location: 4p16.3.
Variant type: single nucleotide variant.
Coding change: c.2374G>A on transcript NM_000142.5 (MANE Select); coding-DNA position 2374, G replaced by A.
Protein change: p.Asp792Asn; replaces aspartic acid 792 with asparagine.
Molecular consequence: missense variant. On other transcripts: non-coding transcript variant (1).
Genome position (GRCh38, 1-based): chr4:1,807,215, G>A. VCF-style: chr4-1807215-G-A. GRCh37 (hg19) VCF-style: chr4-1808942-G-A.
Other names: c.2380G>A, p.Asp794Asn (NM_001163213.2); c.2377G>A, p.Asp793Asn (NM_001354809.2); c.2306G>A, p.Arg769Gln (NM_001354810.2); c.2038G>A, p.Asp680Asn (NM_022965.4); short protein forms D680N, D792N, D793N, D794N, R769Q.
Identifiers: ClinVar variation 1306900 (VCV001306900.11), dbSNP rs376043260, ClinGen allele CA2810857.
Genomic context (GRCh38, chr4:1,807,215, plus strand): 5'-CCGGGTGGCCAGGACACCCCCAGCTCCAGCTCCTCAGGGGACGACTCCGTGTTTGCCCAC[G>A]ACCTGCTGCCCCCGGCCCCACCCAGCAGTGGGGGCTCGCGGACGTGAAGGGCCACTGGTC-3'
Protein context (NP_000133.1, residues 782-802): SSGDDSVFAH[Asp792Asn]LLPPAPPSSG